The following is an entry in ClinVar:

NM_004615.4(TSPAN7):c.440G>A (p.Ser147Asn)

Gene: TSPAN7 (tetraspanin 7; plus strand). Cytogenetic location: Xp11.4.
Variant type: single nucleotide variant.
Coding change: c.440G>A on transcript NM_004615.4 (MANE Select); coding-DNA position 440, G replaced by A.
Protein change: p.Ser147Asn; replaces serine 147 with asparagine.
Molecular consequence: missense variant.
Genome position (GRCh38, 1-based): chrX:38,674,315, G>A. VCF-style: chrX-38674315-G-A. GRCh37 (hg19) VCF-style: chrX-38533569-G-A.
Other names: short protein forms S147N.
Identifiers: ClinVar variation 1312134 (VCV001312134.3), dbSNP rs2147454249, ClinGen allele CA412982023.

ClinVar aggregate classification (germline): Uncertain significance (1 of 4 stars; one submission).

Submission:

GeneDx
Classification: Uncertain significance. Last evaluated: 2022-06-24. Review status: criteria provided, single submitter. Criteria: GeneDx Variant Classification Process June 2021. Collection method: clinical testing. Allele origin: germline. Affected: yes.
Comment: Variants in candidate genes are classified as variants of uncertain significance in accordance with ACMG guidelines (Richards et al., 2015); Not observed in large population cohorts (gnomAD); In silico analysis, which includes protein predictors and evolutionary conservation, supports that this variant does not alter protein structure/function; Has not been previously published as pathogenic or benign to our knowledge